The following is an entry in ClinVar:

NM_017780.4(CHD7):c.4846T>C (p.Tyr1616His)

Gene: CHD7 (chromodomain helicase DNA binding protein 7; plus strand). Cytogenetic location: 8q12.2.
Variant type: single nucleotide variant.
Coding change: c.4846T>C on transcript NM_017780.4 (MANE Select); coding-DNA position 4846, T replaced by C.
Protein change: p.Tyr1616His; replaces tyrosine 1616 with histidine.
Molecular consequence: missense variant. On other transcripts: intron variant (1).
Genome position (GRCh38, 1-based): chr8:60,842,048, T>C. VCF-style: chr8-60842048-T-C. GRCh37 (hg19) VCF-style: chr8-61754607-T-C.
Other names: c.1717-20181T>C (NM_001316690.1); short protein forms Y1616H.
Identifiers: ClinVar variation 644393 (VCV000644393.8), dbSNP rs1249078741, ClinGen allele CA371319702.

ClinVar aggregate classification (germline): Uncertain significance (1 of 4 stars; one submission).

Conditions:
CHARGE syndrome (CHARGE). Also called: Coloboma, heart anomaly, choanal atresia, retardation, genital and ear anomalies; CHARGE association; Hall-Hittner syndrome; Hittner Hirsch Kreh syndrome; CHARGE ASSOCIATION--COLOBOMA, HEART ANOMALY, CHOANAL ATRESIA, RETARDATION, GENITAL AND EAR ANOMALIES. Identifiers: Orphanet 138, MedGen C0265354, MONDO:0008965.

Allele frequency attached by ClinVar (database versions not stated): gnomAD 0.00001; TOPMed 0.00001.
gnomAD v4.1: 1 of 1,611,746 alleles (0.000062%); highest among the groups gnomAD compares: African/African-American, 0.0013%; no homozygotes.

Submission:

Labcorp Genetics (formerly Invitae), Labcorp
Classification: Uncertain significance for CHARGE syndrome. Last evaluated: 2026-02-01. Review status: criteria provided, single submitter. Criteria: Invitae Variant Classification Sherloc (09022015). Collection method: clinical testing. Allele origin: germline.
Comment: This sequence change replaces tyrosine, which is neutral and polar, with histidine, which is basic and polar, at codon 1616 of the CHD7 protein (p.Tyr1616His). This variant is not present in population databases (gnomAD no frequency). This variant has not been reported in the literature in individuals affected with CHD7-related conditions. ClinVar contains an entry for this variant (Variation ID: 644393). Invitae Evidence Modeling of protein sequence and biophysical properties (such as structural, functional, and spatial information, amino acid conservation, physicochemical variation, residue mobility, and thermodynamic stability) has been performed for this missense variant. However, the output from this modeling did not meet the statistical confidence thresholds required to predict the impact of this variant on CHD7 protein function. In summary, the available evidence is currently insufficient to determine the role of this variant in disease. Therefore, it has been classified as a Variant of Uncertain Significance.